The following is an entry in ClinVar:

ClinVar aggregate classification (germline): Conflicting classifications of pathogenicity. Review status: criteria provided, conflicting classifications (1 of 4 stars). 4 submissions from 4 submitters: Uncertain significance (2); Likely benign (2). Last evaluated 2026-05-26.

Conditions:
SLC34A3-related disorder. Also called: SLC34A3-related condition.

Allele frequency attached by ClinVar (database versions not stated): ESP Exome Variant Server 0.00015; gnomAD 0.00025 and 0.00029; TOPMed 0.00025; ExAC 0.00027; gnomAD exomes 0.00027; 1000 Genomes Project 0.00060; 1000 Genomes Project 30x 0.00078.
gnomAD v4.1: 446 of 1,611,032 alleles (0.028%); highest among the groups gnomAD compares: Middle Eastern, 0.13%; 2 homozygotes.

Submissions (4):

Women's Health and Genetics/Laboratory Corporation of America, LabCorp
Classification: Likely benign. Last evaluated: 2026-05-26. Review status: criteria provided, single submitter. Criteria: LabCorp Variant Classification Summary - May 2015. Collection method: clinical testing. Allele origin: germline.

Labcorp Genetics (formerly Invitae), Labcorp
Classification: Likely benign. Last evaluated: 2025-10-09. Review status: criteria provided, single submitter. Criteria: Invitae Variant Classification Sherloc (09022015). Collection method: clinical testing. Allele origin: germline.

PreventionGenetics, part of Exact Sciences
Classification: Uncertain significance for SLC34A3-related condition. Last evaluated: 2025-06-18. Review status: criteria provided, single submitter. Criteria: ACMG Guidelines, 2015. Collection method: clinical testing. Allele origin: germline.
Comment: The SLC34A3 c.1074G>A variant is not predicted to result in an amino acid change (p.=). This variant is predicted to alter splicing based on available splicing prediction programs (SpliceAI, Jaganathan et al. 2019. PubMed ID: 30661751). However, the use of computer prediction programs is not equivalent to functional evidence. To our knowledge, this variant has not been reported in the literature. This variant is reported in 0.076% of alleles in individuals of South Asian descent in gnomAD. Although we suspect that this variant may be benign, at this time, the clinical significance of this variant is uncertain due to the absence of conclusive functional and genetic evidence.

Eurofins Ntd Llc (ga)
Classification: Uncertain significance. Last evaluated: 2016-09-12. Review status: criteria provided, single submitter. Criteria: EGL Classification Definitions 2015. Collection method: clinical testing. Allele origin: germline. Observed: 1 variant allele, 1 heterozygote.

NM_001177316.2(SLC34A3):c.1074G>A (p.Val358=)

Gene: SLC34A3 (solute carrier family 34 member 3; plus strand). Cytogenetic location: 9q34.3.
Variant type: single nucleotide variant.
Coding change: c.1074G>A on transcript NM_001177316.2 (MANE Select); coding-DNA position 1074, G replaced by A.
Protein change: p.Val358=; no amino-acid change (valine 358 retained).
Molecular consequence: synonymous variant.
Genome position (GRCh38, 1-based): chr9:137,234,257, G>A. VCF-style: chr9-137234257-G-A. GRCh37 (hg19) VCF-style: chr9-140128709-G-A.
Other names: c.1074G>A, p.Val358= (NM_001177317.2, NM_080877.3).
Identifiers: ClinVar variation 290779 (VCV000290779.19), dbSNP rs146097023, ClinGen allele CA5364755.
Genomic context (GRCh38, chr9:137,234,257, plus strand): 5'-CCTGGTCCTCATAGTCAAGCTGCTCAACTCTGTGCTGCGCGGCCGCGTGGCCCAGGTCGT[G>A]AGGACAGTCATCAATGCGGGTGAGGGCGTGGGAGGAGGTGCGGTGGCCAGGGCTGACCCA-3'
Protein context (NP_001170787.2, residues 348-368): SVLRGRVAQV[Val358=]RTVINADFPF